The following is an entry in ClinVar:

NM_001352514.2(HLCS):c.1834T>G (p.Leu612Val)

Gene: HLCS (holocarboxylase synthetase; minus strand). Cytogenetic location: 21q22.13.
Variant type: single nucleotide variant.
Coding change: c.1834T>G on transcript NM_001352514.2 (MANE Select); coding-DNA position 1834, T replaced by G.
Protein change: p.Leu612Val; replaces leucine 612 with valine.
Molecular consequence: missense variant. On other transcripts: non-coding transcript variant (2).
Genome position (GRCh38, 1-based): chr21:36,896,918, A>C on the plus strand (T>G on the coding strand, the complement: HLCS is on the minus strand). VCF-style: chr21-36896918-A-C. GRCh37 (hg19) VCF-style: chr21-38269218-A-C.
Other names: c.1393T>G, p.Leu465Val (NM_000411.8, NM_001242784.3, NM_001242785.2 and 4 more transcripts); short protein forms L465V, L612V.
Identifiers: ClinVar variation 4820036 (VCV004820036.1), dbSNP rs751009329.
Genomic context (GRCh38, chr21:36,896,918, plus strand): 5'-ACCCATCCAGGAGACGCATCGTTGTGGGGGTCACTTCGGCAAACAAAATTACTTTCCCCA[A>C]CTGCTTGGTCTGCAGATTTTGGCGATAGATCTCTAAGTTGAAATGTTCTGATGAGAAGGC-3'
Protein context (NP_001339443.1, residues 602-622): IYRQNLQTKQ[Leu612Val]GKVILFAEVT

ClinVar aggregate classification (germline): Uncertain significance (1 of 4 stars; one submission).

Conditions:
Holocarboxylase synthetase deficiency. Also called: MULTIPLE CARBOXYLASE DEFICIENCY, EARLY ONSET. Identifiers: Orphanet 79242, MedGen C0268581, MONDO:0009666, OMIM 253270.

Submission:

Clinical Laboratory, Heze Municipal Hospital
Classification: Uncertain significance for Holocarboxylase synthetase deficiency. Last evaluated: 2026-04-14. Review status: criteria provided, single submitter. Criteria: ACMG Guidelines, 2015. Collection method: clinical testing. Allele origin: germline. Inheritance: Autosomal recessive inheritance. Affected: yes.
Comment: The NM_000411.8(HLCS):c.1393T>G (p.Trp465Gly) is a missense variant in HLCS which localizes to the critical biotin-binding domain of the holocarboxylase synthetase protein. SIFT (Damaging), PolyPhen-2 (Probably damaging), LRT (Damaging), and ClinPred (Damaging) consistently predict a deleterious effect, and the tryptophan-to-glycine substitution is predicted to disrupt protein structure and function (PP3). This variant is absent from the ESP, 1000 Genomes, and ExAC databases, indicating extreme rarity in the general population, consistent with the rarity of holocarboxylase synthetase deficiency PM2_Sup). In summary, the current evidence is insufficient to determine the pathogenicity of this variant, and it is classified as a variant of uncertain significance (VUS) for holocarboxylase synthetase deficiency based on the ACMG/AMP criteria:PM2_Sup, PP3, PP4.